The following is an entry in ClinVar:

NM_000264.5(PTCH1):c.901G>C (p.Asp301His)

Gene: PTCH1 (patched 1; minus strand). Cytogenetic location: 9q22.32.
Variant type: single nucleotide variant.
Coding change: c.901G>C on transcript NM_000264.5 (MANE Select); coding-DNA position 901, G replaced by C.
Protein change: p.Asp301His; replaces aspartic acid 301 with histidine.
Molecular consequence: missense variant. On other transcripts: non-coding transcript variant (1).
Genome position (GRCh38, 1-based): chr9:95,480,434, C>G on the plus strand (G>C on the coding strand, the complement: PTCH1 is on the minus strand). VCF-style: chr9-95480434-C-G. GRCh37 (hg19) VCF-style: chr9-98242716-C-G.
Other names: c.448G>C, p.Asp150His (NM_001083606.3, NM_001083607.3, NM_001083604.3 and 1 more transcripts); c.901G>C, p.Asp301His (NM_001354918.2); c.703G>C, p.Asp235His (NM_001083602.3); c.898G>C, p.Asp300His (NM_001083603.3); short protein forms D301H, D235H, D150H, D300H.
Identifiers: ClinVar variation 1765510 (VCV001765510.3), dbSNP rs767601899, ClinGen allele CA374113795.

ClinVar aggregate classification (germline): Uncertain significance (1 of 4 stars; one submission).

Conditions:
Hereditary cancer-predisposing syndrome. Also called: Neoplastic Syndromes, Hereditary; Tumor predisposition; Hereditary Cancer Syndrome; Hereditary neoplastic syndrome. Identifiers: Orphanet 140162, MedGen C0027672, MeSH D009386, MONDO:0015356.

gnomAD v4.1: 3 of 1,611,076 alleles (0.00019%); highest among the groups gnomAD compares: East Asian, 0.0045%; no homozygotes.

Submission:

Ambry Genetics
Classification: Uncertain significance for Hereditary cancer-predisposing syndrome. Last evaluated: 2024-11-06. Review status: criteria provided, single submitter. Criteria: Ambry Variant Classification Scheme 2023. Collection method: clinical testing. Allele origin: germline.
Comment: The p.D301H variant (also known as c.901G>C), located in coding exon 6 of the PTCH1 gene, results from a G to C substitution at nucleotide position 901. The aspartic acid at codon 301 is replaced by histidine, an amino acid with similar properties. This amino acid position is highly conserved in available vertebrate species. In addition, this alteration is predicted to be deleterious by in silico analysis. Based on the available evidence, the clinical significance of this variant remains unclear.